The following is an entry in ClinVar:

ClinVar aggregate classification (germline): Benign/Likely benign. Review status: criteria provided, multiple submitters, no conflicts (2 of 4 stars). 9 submissions from 7 submitters: Benign (6); Likely benign (1). 2 of the submissions do not count toward it. Last evaluated 2026-05-08.

Conditions:
Ellis-van Creveld syndrome (EVC). Also called: Chondroectodermal dysplasia; MESOECTODERMAL DYSPLASIA. Identifiers: Orphanet 289, MedGen C0013903, MONDO:0009162, OMIM 225500.
Curry-Hall syndrome (WAD). Also called: WEYERS ACRODENTAL DYSOSTOSIS. Identifiers: Orphanet 952, MedGen C0457013, MONDO:0008673, OMIM 193530.

Submissions (9):

Women's Health and Genetics/Laboratory Corporation of America, LabCorp
Classification: Benign. Last evaluated: 2026-05-08. Review status: criteria provided, single submitter. Criteria: LabCorp Variant Classification Summary - May 2015. Collection method: clinical testing. Allele origin: germline.

Labcorp Genetics (formerly Invitae), Labcorp
Classification: Benign for Curry-Hall syndrome; Ellis-van Creveld syndrome. Last evaluated: 2026-02-04. Review status: criteria provided, single submitter. Criteria: Invitae Variant Classification Sherloc (09022015). Collection method: clinical testing. Allele origin: germline.

Blueprint Genetics
Classification: Benign. Last evaluated: 2024-11-26. Review status: criteria provided, single submitter. Criteria: ACMG Guidelines, 2015. Collection method: clinical testing. Allele origin: germline.

Genome-Nilou Lab
Classification: Benign for Curry-Hall syndrome. Last evaluated: 2021-07-30. Review status: criteria provided, single submitter. Criteria: ACMG Guidelines, 2015. Collection method: clinical testing. Allele origin: germline. Affected: no.

Genome-Nilou Lab
Classification: Benign for Ellis-van Creveld syndrome. Last evaluated: 2021-07-30. Review status: criteria provided, single submitter. Criteria: ACMG Guidelines, 2015. Collection method: clinical testing. Allele origin: germline. Affected: no.

GeneDx
Classification: Benign. Last evaluated: 2018-05-26. Review status: criteria provided, single submitter. Criteria: GeneDx Variant Classification Process June 2021. Collection method: clinical testing. Allele origin: germline. Affected: yes.

PreventionGenetics, part of Exact Sciences
Classification: Likely benign. Review status: criteria provided, single submitter. Criteria: ACMG Guidelines, 2015. Collection method: clinical testing. Allele origin: germline.

Natera, Inc.
Classification: Benign for Ellis-van Creveld syndrome. Last evaluated: 2020-09-16. Review status: no assertion criteria provided. Collection method: clinical testing. Allele origin: germline. Not counted in ClinVar's aggregate classification.

GeneDx
Classification: Benign. Last evaluated: 2017-08-07. Review status: flagged submission. Criteria: GeneDx Variant Classification Process June 2021. Collection method: clinical testing. Allele origin: germline. Affected: yes. Not counted in ClinVar's aggregate classification.
ClinVar note: Reason: This record appears to be redundant with a more recent record from the same submitter.
ClinVar note: Notes: SCV001830507 appears to be redundant with SCV000566422.

NM_153717.3(EVC):c.2449+15del

Gene: EVC (EvC ciliary complex subunit 1; plus strand). Cytogenetic location: 4p16.2.
Variant type: Deletion.
Coding change: c.2449+15del on transcript NM_153717.3 (MANE Select); 15 bases into the intron after coding-DNA position 2449, one base deleted (C; older notation c.2449+15delC).
Molecular consequence: intron variant.
Genome position (GRCh38, 1-based): chr4:5,802,109, C deleted; the last of 7 consecutive C bases (chr4:5,802,103-5,802,109); deleting any one gives the same sequence. VCF-style (leftmost placement, unchanged base first): chr4-5802102-AC-A. GRCh37 (hg19) VCF-style: chr4-5803829-AC-A.
Other names: c.2449+15del (NM_001306090.2); c.2449+15delC (NM_153717.3, NM_153717.2).
Identifiers: ClinVar variation 262775 (VCV000262775.23), dbSNP rs398092136, ClinGen allele CA2836500.